The following is an entry in ClinVar:

NM_000535.7(PMS2):c.2059A>G (p.Ile687Val)

Gene: PMS2 (PMS1 homolog 2, mismatch repair system component; minus strand). Cytogenetic location: 7p22.1.
Variant type: single nucleotide variant.
Coding change: c.2059A>G on transcript NM_000535.7 (MANE Select); coding-DNA position 2059, A replaced by G.
Protein change: p.Ile687Val; replaces isoleucine 687 with valine.
Molecular consequence: missense variant. On other transcripts: non-coding transcript variant (1).
Genome position (GRCh38, 1-based): chr7:5,982,939, T>C on the plus strand (A>G on the coding strand, the complement: PMS2 is on the minus strand). VCF-style: chr7-5982939-T-C. GRCh37 (hg19) VCF-style: chr7-6022570-T-C.
Other names: c.1654A>G, p.Ile552Val (NM_001322003.2, NM_001322004.2, NM_001322005.2 and 1 more transcripts); c.1903A>G, p.Ile635Val (NM_001322006.2); c.1741A>G, p.Ile581Val (NM_001322007.2, NM_001322008.2); c.1498A>G, p.Ile500Val (NM_001322010.2); c.1126A>G, p.Ile376Val (NM_001322011.2, NM_001322012.2); c.1486A>G, p.Ile496Val (NM_001322013.2); c.2059A>G, p.Ile687Val (NM_001322014.2); c.1750A>G, p.Ile584Val (NM_001322015.2); short protein forms I500V, I496V, I581V, I584V, I552V, I687V, I376V, I635V.
Identifiers: ClinVar variation 820619 (VCV000820619.4), dbSNP rs778935437, ClinGen allele CA366738086.

ClinVar aggregate classification (germline): Uncertain significance (1 of 4 stars; one submission).

Conditions:
Hereditary cancer-predisposing syndrome. Also called: Neoplastic Syndromes, Hereditary; Tumor predisposition; Hereditary Cancer Syndrome; Hereditary neoplastic syndrome. Identifiers: Orphanet 140162, MedGen C0027672, MeSH D009386, MONDO:0015356.

Submission:

Ambry Genetics
Classification: Uncertain significance for Hereditary cancer-predisposing syndrome. Last evaluated: 2018-05-16. Review status: criteria provided, single submitter. Criteria: Ambry Variant Classification Scheme 2023. Collection method: clinical testing. Allele origin: germline.
Comment: The p.I687V variant (also known as c.2059A>G), located in coding exon 12 of the PMS2 gene, results from an A to G substitution at nucleotide position 2059. The isoleucine at codon 687 is replaced by valine, an amino acid with highly similar properties. This amino acid position is highly conserved in available vertebrate species. In addition, the in silico prediction for this alteration is inconclusive. Since supporting evidence is limited at this time, the clinical significance of this alteration remains unclear.